The following is an entry in ClinVar:

ClinVar aggregate classification (germline): Uncertain significance (1 of 4 stars; one submission).

Conditions:
Nephronophthisis. Also called: Juvenile Nephronophthisis. Identifiers: Orphanet 655, MedGen C0687120, MONDO:0019005, HP:0000090.

Submission:

Labcorp Genetics (formerly Invitae), Labcorp
Classification: Uncertain significance for Nephronophthisis. Last evaluated: 2022-06-03. Review status: criteria provided, single submitter. Criteria: Invitae Variant Classification Sherloc (09022015). Collection method: clinical testing. Allele origin: germline.
Comment: This sequence change replaces arginine, which is basic and polar, with glycine, which is neutral and non-polar, at codon 1173 of the NPHP4 protein (p.Arg1173Gly). This variant is not present in population databases (gnomAD no frequency). This variant has not been reported in the literature in individuals affected with NPHP4-related conditions. ClinVar contains an entry for this variant (Variation ID: 938519). Algorithms developed to predict the effect of missense changes on protein structure and function are either unavailable or do not agree on the potential impact of this missense change (SIFT: "Deleterious"; PolyPhen-2: "Probably Damaging"; Align-GVGD: "Class C0"). In summary, the available evidence is currently insufficient to determine the role of this variant in disease. Therefore, it has been classified as a Variant of Uncertain Significance.

NM_015102.5(NPHP4):c.3517C>G (p.Arg1173Gly)

Gene: NPHP4 (nephrocystin 4; minus strand). Cytogenetic location: 1p36.31.
Variant type: single nucleotide variant.
Coding change: c.3517C>G on transcript NM_015102.5 (MANE Select); coding-DNA position 3517, C replaced by G.
Protein change: p.Arg1173Gly; replaces arginine 1173 with glycine.
Molecular consequence: missense variant. On other transcripts: non-coding transcript variant (1).
Genome position (GRCh38, 1-based): chr1:5,867,071, G>C on the plus strand (C>G on the coding strand, the complement: NPHP4 is on the minus strand). VCF-style: chr1-5867071-G-C. GRCh37 (hg19) VCF-style: chr1-5927131-G-C.
Other names: c.1978C>G, p.Arg660Gly (NM_001291593.2); c.1981C>G, p.Arg661Gly (NM_001291594.2); short protein forms R1173G, R661G, R660G.
Identifiers: ClinVar variation 938519 (VCV000938519.9), dbSNP rs772682572, ClinGen allele CA338051194.
Genomic context (GRCh38, chr1:5,867,071, plus strand): 5'-GGGCCACAACACAACCTACCACATTCTGGGTCTCACAGATGACGTTCGGGTCGCTGCAGC[G>C]AACATGGACTGGGGGGTCCTCACCAAGCATTCCCACCGGAGCACCTGGAGCAGGGGAAAT-3'
Protein context (NP_055917.1, residues 1163-1183): MLGEDPPVHV[Arg1173Gly]CSDPNVICET